The following is an entry in ClinVar:

ClinVar aggregate classification (germline): Uncertain significance. Review status: criteria provided, multiple submitters, no conflicts (2 of 4 stars). 2 submissions from 2 submitters: Uncertain significance (2). Last evaluated 2025-09-30.

Conditions:
Cardiovascular phenotype. Identifiers: MedGen CN230736.

Allele frequency attached by ClinVar (database versions not stated): gnomAD exomes below 0.00001 and 0.00001; gnomAD 0.00001; ExAC 0.00002; TOPMed 0.00001.

Submissions (2):

Ambry Genetics
Classification: Uncertain significance for Cardiovascular phenotype. Last evaluated: 2025-09-30. Review status: criteria provided, single submitter. Criteria: Ambry Variant Classification Scheme 2023. Collection method: clinical testing. Allele origin: germline.
Comment: The c.2646G>A variant (also known as p.V882V), located in coding exon 5 of the TNXB gene, results from a G to A substitution at nucleotide position 2646. This nucleotide substitution does not change the amino acid at codon 882. This nucleotide position is not well conserved in available vertebrate species. In silico splice site analysis predicts that this alteration will result in the creation or strengthening of a novel splice donor site. Based on the available evidence, the clinical significance of this variant remains unclear.

GeneDx
Classification: Uncertain significance. Last evaluated: 2021-01-11. Review status: criteria provided, single submitter. Criteria: GeneDx Variant Classification Process June 2021. Collection method: clinical testing. Allele origin: germline. Affected: yes.
Comment: Has not been previously published as pathogenic or benign to our knowledge; Not observed at a significant frequency in large population cohorts (Lek et al., 2016); In silico analysis suggests this variant may impact gene splicing; in the absence of RNA/functional studies, the actual effect of this sequence change is unknown

NM_001365276.2(TNXB):c.2646G>A (p.Val882=)

Gene: TNXB (tenascin XB; minus strand). Cytogenetic location: 6p21.33.
Variant type: single nucleotide variant.
Coding change: c.2646G>A on transcript NM_001365276.2 (MANE Select); coding-DNA position 2646, G replaced by A.
Protein change: p.Val882=; no amino-acid change (valine 882 retained).
Molecular consequence: synonymous variant.
Genome position (GRCh38, 1-based): chr6:32,088,918, C>T on the plus strand (G>A on the coding strand, the complement: TNXB is on the minus strand). VCF-style: chr6-32088918-C-T. GRCh37 (hg19) VCF-style: chr6-32056695-C-T.
Other names: c.2646G>A, p.Val882= (NM_019105.8).
Identifiers: ClinVar variation 1313949 (VCV001313949.5), dbSNP rs755470740, ClinGen allele CA3735439.